The following is an entry in ClinVar:

NM_001082486.2(ACD):c.1232G>A (p.Gly411Asp)

Gene: ACD (ACD shelterin complex subunit and telomerase recruitment factor; minus strand). Cytogenetic location: 16q22.1.
Variant type: single nucleotide variant.
Coding change: c.1232G>A on transcript NM_001082486.2 (MANE Select); coding-DNA position 1232, G replaced by A.
Protein change: p.Gly411Asp; replaces glycine 411 with aspartic acid.
Molecular consequence: missense variant.
Genome position (GRCh38, 1-based): chr16:67,657,828, C>T on the plus strand (G>A on the coding strand, the complement: ACD is on the minus strand). VCF-style: chr16-67657828-C-T. GRCh37 (hg19) VCF-style: chr16-67691731-C-T.
Other names: c.1145G>A, p.Gly382Asp (NM_001410884.1); c.1223G>A, p.Gly408Asp (NM_022914.3); short protein forms G382D, G411D, G408D.
Identifiers: ClinVar variation 2866696 (VCV002866696.3), dbSNP rs2543597041, ClinGen allele CA396349993.
Genomic context (GRCh38, chr16:67,657,828, plus strand): 5'-GCTTGGACCCGAGCACAGAGGGACGTGCAGGGTGGCTCATACTCATACTGGAAGGCAGAA[C>T]CATCACGATGCCTCTTTGGGGGTTCCTGAAAGGGGTATGGTGTCTGGGGAAGAGCTAACA-3'
Protein context (NP_001075955.2, residues 401-421): VWEPPKRHRD[Gly411Asp]SAFQYEYEPP

ClinVar aggregate classification (germline): Uncertain significance (1 of 4 stars; one submission).

Conditions:
Dyskeratosis congenita, autosomal dominant 6 (DKCA6). Identifiers: Orphanet 3322, MedGen C4225284, MONDO:0014690, OMIM 616553.

Allele frequency attached by ClinVar (database versions not stated): gnomAD exomes below 0.00001.
gnomAD v4.1: 1 of 1,614,132 alleles (0.000062%); highest among the groups gnomAD compares: South Asian, 0.0011%; no homozygotes.

Submission:

Labcorp Genetics (formerly Invitae), Labcorp
Classification: Uncertain significance for Dyskeratosis congenita, autosomal dominant 6. Last evaluated: 2023-05-21. Review status: criteria provided, single submitter. Criteria: Invitae Variant Classification Sherloc (09022015). Collection method: clinical testing. Allele origin: germline.
Comment: This sequence change replaces glycine, which is neutral and non-polar, with aspartic acid, which is acidic and polar, at codon 497 of the ACD protein (p.Gly497Asp). This variant is not present in population databases (gnomAD no frequency). This variant has not been reported in the literature in individuals affected with ACD-related conditions. Advanced modeling of protein sequence and biophysical properties (such as structural, functional, and spatial information, amino acid conservation, physicochemical variation, residue mobility, and thermodynamic stability) performed at Invitae indicates that this missense variant is expected to disrupt ACD protein function. In summary, the available evidence is currently insufficient to determine the role of this variant in disease. Therefore, it has been classified as a Variant of Uncertain Significance.